The following is an entry in ClinVar:

ClinVar aggregate classification (germline): Uncertain significance. Review status: criteria provided, multiple submitters, no conflicts (2 of 4 stars). 2 submissions from 2 submitters: Uncertain significance (2). Last evaluated 2024-07-16.

Conditions:
Inborn genetic diseases. Identifiers: MedGen C0950123, MeSH D030342.

Allele frequency attached by ClinVar (database versions not stated): ESP Exome Variant Server 0.00008; ExAC 0.00009; gnomAD 0.00010 and 0.00013; gnomAD exomes 0.00011 and 0.00014; TOPMed 0.00012; 1000 Genomes Project 30x 0.00047; 1000 Genomes Project 0.00060.
gnomAD v4.1: 226 of 1,613,642 alleles (0.014%); highest among the groups gnomAD compares: Admixed American, 0.05%; no homozygotes.

Submissions (2):

Ambry Genetics
Classification: Uncertain significance for Inborn genetic diseases. Last evaluated: 2024-07-16. Review status: criteria provided, single submitter. Criteria: Ambry Variant Classification Scheme 2023. Collection method: clinical testing. Allele origin: germline.

Labcorp Genetics (formerly Invitae), Labcorp
Classification: Uncertain significance. Last evaluated: 2022-06-22. Review status: criteria provided, single submitter. Criteria: Invitae Variant Classification Sherloc (09022015). Collection method: clinical testing. Allele origin: germline.
Comment: This sequence change replaces proline, which is neutral and non-polar, with leucine, which is neutral and non-polar, at codon 1406 of the LTBP2 protein (p.Pro1406Leu). This variant is present in population databases (rs188272239, gnomAD 0.03%). This variant has not been reported in the literature in individuals affected with LTBP2-related conditions. Algorithms developed to predict the effect of missense changes on protein structure and function output the following: SIFT: "Tolerated"; PolyPhen-2: "Benign"; Align-GVGD: "Class C0". The leucine amino acid residue is found in multiple mammalian species, which suggests that this missense change does not adversely affect protein function. In summary, the available evidence is currently insufficient to determine the role of this variant in disease. Therefore, it has been classified as a Variant of Uncertain Significance.

NM_000428.3(LTBP2):c.4217C>T (p.Pro1406Leu)

Gene: LTBP2 (latent transforming growth factor beta binding protein 2; minus strand). Cytogenetic location: 14q24.3.
Variant type: single nucleotide variant.
Coding change: c.4217C>T on transcript NM_000428.3 (MANE Select); coding-DNA position 4217, C replaced by T.
Protein change: p.Pro1406Leu; replaces proline 1406 with leucine.
Molecular consequence: missense variant.
Genome position (GRCh38, 1-based): chr14:74,505,135, G>A on the plus strand (C>T on the coding strand, the complement: LTBP2 is on the minus strand). VCF-style: chr14-74505135-G-A. GRCh37 (hg19) VCF-style: chr14-74971838-G-A.
Other names: c.4217C>T (NM_000428.2); short protein forms P1406L.
Identifiers: ClinVar variation 1433814 (VCV001433814.4), dbSNP rs188272239, ClinGen allele CA7268824.